The following is an entry in ClinVar:

NM_032444.4(SLX4):c.3059A>G (p.His1020Arg)

Gene: SLX4 (SLX4 structure-specific endonuclease subunit; minus strand). Cytogenetic location: 16p13.3.
Variant type: single nucleotide variant.
Coding change: c.3059A>G on transcript NM_032444.4 (MANE Select); coding-DNA position 3059, A replaced by G.
Protein change: p.His1020Arg; replaces histidine 1020 with arginine.
Molecular consequence: missense variant.
Genome position (GRCh38, 1-based): chr16:3,590,579, T>C on the plus strand (A>G on the coding strand, the complement: SLX4 is on the minus strand). VCF-style: chr16-3590579-T-C. GRCh37 (hg19) VCF-style: chr16-3640580-T-C.
Other names: short protein forms H1020R.
Identifiers: ClinVar variation 1510089 (VCV001510089.8), dbSNP rs2151124446, ClinGen allele CA394522190.
Genomic context (GRCh38, chr16:3,590,579, plus strand): 5'-GGAGGCCCCAATAGGAAGCGGCACGGGTGCGGTGGAGATGCCTGCCAGGGAGCCAGGCGA[T>C]GAGAAACCTCCAGCCCCCTTTCCCTGACAGCGCCACTTTGTTCCTCGGGCTCACTTGTTA-3'
Protein context (NP_115820.2, residues 1010-1030): AVRERGLEVS[His1020Arg]RLAPWQASPP

ClinVar aggregate classification (germline): Uncertain significance (1 of 4 stars; one submission).

Conditions:
Fanconi anemia (FA). Also called: Fanconi's anemia. Identifiers: Orphanet 84, MedGen C0015625, MeSH D005199, MONDO:0019391.

Submission:

Labcorp Genetics (formerly Invitae), Labcorp
Classification: Uncertain significance for Fanconi anemia. Last evaluated: 2022-06-27. Review status: criteria provided, single submitter. Criteria: Invitae Variant Classification Sherloc (09022015). Collection method: clinical testing. Allele origin: germline.
Comment: Algorithms developed to predict the effect of missense changes on protein structure and function output the following: SIFT: "Tolerated"; PolyPhen-2: "Benign"; Align-GVGD: "Class C0". The arginine amino acid residue is found in multiple mammalian species, which suggests that this missense change does not adversely affect protein function. This sequence change replaces histidine, which is basic and polar, with arginine, which is basic and polar, at codon 1020 of the SLX4 protein (p.His1020Arg). This variant is not present in population databases (gnomAD no frequency). This variant has not been reported in the literature in individuals affected with SLX4-related conditions. In summary, the available evidence is currently insufficient to determine the role of this variant in disease. Therefore, it has been classified as a Variant of Uncertain Significance.